The following is an entry in ClinVar:

ClinVar aggregate classification (germline): Benign/Likely benign. Review status: criteria provided, multiple submitters, no conflicts (2 of 4 stars). 6 submissions from 6 submitters: Benign (1); Likely benign (4). 1 of the submissions does not count toward it. Last evaluated 2026-01-20.

Conditions:
Creatine transporter deficiency (CCDS1). Also called: Creatine Transporter (CRTR) Deficiency; Mental retardation , X-linked with seizures, short stature and midface hypoplasia; Mental retardation , X-linked, with creatine transport deficiency; X-linked creatine transporter deficiency; X-linked creatine deficiency syndrome; CEREBRAL CREATINE DEFICIENCY SYNDROME 1. Identifiers: Orphanet 52503, MedGen C1845862, MONDO:0010305, OMIM 300352.
SLC6A8-related disorder. Also called: SLC6A8-related condition.

Allele frequency attached by ClinVar (database versions not stated): TOPMed 0.00007; ExAC 0.00010; gnomAD 0.00010 and 0.00011; gnomAD exomes 0.00010 and 0.00021; 1000 Genomes Project 0.00026; 1000 Genomes Project 30x 0.00042.
gnomAD v4.1: 234 of 1,205,776 alleles (0.019%); highest among the groups gnomAD compares: Non-Finnish European, 0.024%; no homozygotes.

Submissions (6):

Labcorp Genetics (formerly Invitae), Labcorp
Classification: Benign for Creatine transporter deficiency. Last evaluated: 2026-01-20. Review status: criteria provided, single submitter. Criteria: Invitae Variant Classification Sherloc (09022015). Collection method: clinical testing. Allele origin: germline.

CeGaT Center for Human Genetics Tuebingen
Classification: Likely benign. Last evaluated: 2026-01-01. Review status: criteria provided, single submitter. Criteria: CeGaT Center For Human Genetics Tuebingen Variant Classification Criteria Version 2. Collection method: clinical testing. Allele origin: germline. Affected: yes. Observed: 2 variant alleles.
Comment: SLC6A8: BP4, BS2

Blueprint Genetics
Classification: Likely benign. Last evaluated: 2024-08-23. Review status: criteria provided, single submitter. Criteria: ACMG Guidelines, 2015. Collection method: clinical testing. Allele origin: germline.

GeneDx
Classification: Likely benign. Last evaluated: 2019-07-01. Review status: criteria provided, single submitter. Criteria: GeneDx Variant Classification Process June 2021. Collection method: clinical testing. Allele origin: germline. Affected: yes.

Genetic Services Laboratory, University of Chicago
Classification: Likely benign. Last evaluated: 2016-06-28. Review status: criteria provided, single submitter. Criteria: ACMG Guidelines, 2015. Collection method: clinical testing. Allele origin: germline. Affected: no.

PreventionGenetics, part of Exact Sciences
Classification: Likely benign for SLC6A8-related condition. Last evaluated: 2024-09-10. Review status: no assertion criteria provided. Collection method: clinical testing. Allele origin: germline. Not counted in ClinVar's aggregate classification.
Comment: This variant is classified as likely benign based on ACMG/AMP sequence variant interpretation guidelines (Richards et al. 2015 PMID: 25741868, with internal and published modifications).

NM_005629.4(SLC6A8):c.1496-4G>A

Gene: SLC6A8 (solute carrier family 6 member 8; plus strand). Cytogenetic location: Xq28.
Variant type: single nucleotide variant.
Coding change: c.1496-4G>A on transcript NM_005629.4 (MANE Select); 4 bases into the intron before coding-DNA position 1496, G replaced by A.
Molecular consequence: intron variant.
Genome position (GRCh38, 1-based): chrX:153,694,529, G>A. VCF-style: chrX-153694529-G-A. GRCh37 (hg19) VCF-style: chrX-152959984-G-A.
Other names: c.1466-4G>A (NM_001142805.2); c.1151-4G>A (NM_001142806.1).
Identifiers: ClinVar variation 436770 (VCV000436770.30), dbSNP rs782589547, ClinGen allele CA10549549.
Genomic context (GRCh38, chrX:153,694,529, plus strand): 5'-GCTGGGGGATGGTGGCGGGGAAGGCAGGTCTCCAGCTTGGCCCTCCCGCCTCACCTCGCC[G>A]CAGGAGCTGACCGCTTCATGGACGACATTGCCTGTATGATCGGGTACCGACCTTGCCCCT-3'